The following is an entry in ClinVar:

NM_000287.4(PEX6):c.346C>T (p.Leu116Phe)

Gene: PEX6 (peroxisomal biogenesis factor 6; minus strand). Cytogenetic location: 6p21.1.
Variant type: single nucleotide variant.
Coding change: c.346C>T on transcript NM_000287.4 (MANE Select); coding-DNA position 346, C replaced by T.
Protein change: p.Leu116Phe; replaces leucine 116 with phenylalanine.
Molecular consequence: missense variant. On other transcripts: non-coding transcript variant (1).
Genome position (GRCh38, 1-based): chr6:42,978,805, G>A on the plus strand (C>T on the coding strand, the complement: PEX6 is on the minus strand). VCF-style: chr6-42978805-G-A. GRCh37 (hg19) VCF-style: chr6-42946543-G-A.
Other names: c.346C>T, p.Leu116Phe (NM_001316313.2); short protein forms L116F.
Identifiers: ClinVar variation 1019820 (VCV001019820.7), dbSNP rs1770429515, ClinGen allele CA364167024.

ClinVar aggregate classification (germline): Uncertain significance. Review status: criteria provided, single submitter (1 of 4 stars). 2 submissions from 2 submitters: Uncertain significance (1). 1 of the submissions does not count toward it. Last evaluated 2022-06-17.

Conditions:
Zellweger spectrum disorders (ZS). Also called: Zellweger syndrome; Zellweger Spectrum Disorder (ZSD); Zellweger Spectrum Disorder; Zellweger Spectrum. Identifiers: Orphanet 912, MedGen C0043459, MONDO:0019609.
Peroxisome biogenesis disorder. Identifiers: Orphanet 79189, MedGen C1832200, MONDO:0019234. Disease mechanism: loss of function.

Allele frequency attached by ClinVar (database versions not stated): gnomAD exomes below 0.00001.
gnomAD v4.1: 1 of 1,533,530 alleles (0.000065%); highest among the groups gnomAD compares: Non-Finnish European, 0.000087%; no homozygotes.

Submissions (2):

Labcorp Genetics (formerly Invitae), Labcorp
Classification: Uncertain significance for Peroxisome biogenesis disorder. Last evaluated: 2022-06-17. Review status: criteria provided, single submitter. Criteria: Invitae Variant Classification Sherloc (09022015). Collection method: clinical testing. Allele origin: germline.
Comment: This sequence change replaces leucine, which is neutral and non-polar, with phenylalanine, which is neutral and non-polar, at codon 116 of the PEX6 protein (p.Leu116Phe). This variant is not present in population databases (gnomAD no frequency). This variant has not been reported in the literature in individuals affected with PEX6-related conditions. ClinVar contains an entry for this variant (Variation ID: 1019820). Algorithms developed to predict the effect of missense changes on protein structure and function output the following: SIFT: "Tolerated"; PolyPhen-2: "Benign"; Align-GVGD: "Class C0". The phenylalanine amino acid residue is found in multiple mammalian species, which suggests that this missense change does not adversely affect protein function. In summary, the available evidence is currently insufficient to determine the role of this variant in disease. Therefore, it has been classified as a Variant of Uncertain Significance.

Natera, Inc.
Classification: Uncertain significance for Zellweger syndrome. Last evaluated: 2021-03-23. Review status: no assertion criteria provided. Collection method: clinical testing. Allele origin: germline. Not counted in ClinVar's aggregate classification.